The following is an entry in ClinVar:

ClinVar aggregate classification (germline): Uncertain significance (1 of 4 stars; one submission).

Submission:

Labcorp Genetics (formerly Invitae), Labcorp
Classification: Uncertain significance. Last evaluated: 2022-11-08. Review status: criteria provided, single submitter. Criteria: Invitae Variant Classification Sherloc (09022015). Collection method: clinical testing. Allele origin: germline.
Comment: This sequence change replaces histidine, which is basic and polar, with leucine, which is neutral and non-polar, at codon 417 of the FLAD1 protein (p.His417Leu). In summary, the available evidence is currently insufficient to determine the role of this variant in disease. Therefore, it has been classified as a Variant of Uncertain Significance. Algorithms developed to predict the effect of missense changes on protein structure and function are either unavailable or do not agree on the potential impact of this missense change (SIFT: "Tolerated"; PolyPhen-2: "Possibly Damaging"; Align-GVGD: "Class C0"). This variant has not been reported in the literature in individuals affected with FLAD1-related conditions. This variant is not present in population databases (gnomAD no frequency).

NM_025207.5(FLAD1):c.1250A>T (p.His417Leu)

Gene: FLAD1 (flavin adenine dinucleotide synthetase 1; plus strand). Cytogenetic location: 1q21.3.
Variant type: single nucleotide variant.
Coding change: c.1250A>T on transcript NM_025207.5 (MANE Select); coding-DNA position 1250, A replaced by T.
Protein change: p.His417Leu; replaces histidine 417 with leucine.
Molecular consequence: missense variant.
Genome position (GRCh38, 1-based): chr1:154,989,692, A>T. VCF-style: chr1-154989692-A-T. GRCh37 (hg19) VCF-style: chr1-154962168-A-T.
Other names: c.959A>T, p.His320Leu (NM_001184891.2, NM_201398.3); short protein forms H417L, H320L.
Identifiers: ClinVar variation 2128074 (VCV002128074.4), dbSNP rs1370923022, ClinGen allele CA342751316.